The following is an entry in ClinVar:

ClinVar aggregate classification (germline): Uncertain significance. Review status: criteria provided, multiple submitters, no conflicts (2 of 4 stars). 3 submissions from 3 submitters: Uncertain significance (3). Last evaluated 2024-08-31.

Conditions:
Hereditary cancer-predisposing syndrome. Also called: Neoplastic Syndromes, Hereditary; Hereditary Cancer Syndrome; Tumor predisposition; Hereditary neoplastic syndrome. Identifiers: Orphanet 140162, MedGen C0027672, MeSH D009386, MONDO:0015356.
Hereditary pheochromocytoma and paraganglioma. Also called: Hereditary Paraganglioma-Pheochromocytoma Syndromes; Hereditary paragangliomas and pheochromocytomas; Hereditary pheochromocytoma-paraganglioma. Identifiers: Orphanet 29072, MedGen C4274332, MONDO:0017366.

Allele frequency attached by ClinVar (database versions not stated): gnomAD exomes below 0.00001.

Submissions (3):

Labcorp Genetics (formerly Invitae), Labcorp
Classification: Uncertain significance for Hereditary pheochromocytoma and paraganglioma. Last evaluated: 2024-08-31. Review status: criteria provided, single submitter. Criteria: Invitae Variant Classification Sherloc (09022015). Collection method: clinical testing. Allele origin: germline.
Comment: This sequence change replaces glutamic acid, which is acidic and polar, with lysine, which is basic and polar, at codon 202 of the TMEM127 protein (p.Glu202Lys). This variant is present in population databases (no rsID available, gnomAD 0.0009%). This variant has not been reported in the literature in individuals affected with TMEM127-related conditions. ClinVar contains an entry for this variant (Variation ID: 532526). An algorithm developed to predict the effect of missense changes on protein structure and function (PolyPhen-2) suggests that this variant is likely to be disruptive. In summary, the available evidence is currently insufficient to determine the role of this variant in disease. Therefore, it has been classified as a Variant of Uncertain Significance.

Ambry Genetics
Classification: Uncertain significance for Hereditary cancer-predisposing syndrome. Last evaluated: 2024-05-18. Review status: criteria provided, single submitter. Criteria: Ambry Variant Classification Scheme 2023. Collection method: clinical testing. Allele origin: germline.
Comment: The p.E202K variant (also known as c.604G>A), located in coding exon 3 of the TMEM127 gene, results from a G to A substitution at nucleotide position 604. The glutamic acid at codon 202 is replaced by lysine, an amino acid with similar properties. This amino acid position is highly conserved in available vertebrate species. In addition, the in silico prediction for this alteration is inconclusive. Since supporting evidence is limited at this time, the clinical significance of this alteration remains unclear.

GeneDx
Classification: Uncertain significance. Last evaluated: 2023-03-15. Review status: criteria provided, single submitter. Criteria: GeneDx Variant Classification Process June 2021. Collection method: clinical testing. Allele origin: germline. Affected: yes.
Comment: Not observed at significant frequency in large population cohorts (gnomAD); In silico analysis supports that this missense variant does not alter protein structure/function; Has not been previously published as pathogenic or benign to our knowledge

NM_017849.4(TMEM127):c.604G>A (p.Glu202Lys)

Gene: TMEM127 (transmembrane protein 127; minus strand). Cytogenetic location: 2q11.2.
Variant type: single nucleotide variant.
Coding change: c.604G>A on transcript NM_017849.4 (MANE Select); coding-DNA position 604, G replaced by A.
Protein change: p.Glu202Lys; replaces glutamic acid 202 with lysine.
Molecular consequence: missense variant.
Genome position (GRCh38, 1-based): chr2:96,253,921, C>T on the plus strand (G>A on the coding strand, the complement: TMEM127 is on the minus strand). VCF-style: chr2-96253921-C-T. GRCh37 (hg19) VCF-style: chr2-96919659-C-T.
Other names: c.604G>A, p.Glu202Lys (NM_001193304.3); short protein forms E202K.
Identifiers: ClinVar variation 532526 (VCV000532526.14), dbSNP rs1429621198, ClinGen allele CA347652022.